The following is an entry in ClinVar:

NM_139057.4(ADAMTS17):c.691G>A (p.Glu231Lys)

Gene: ADAMTS17 (ADAM metallopeptidase with thrombospondin type 1 motif 17; minus strand). Cytogenetic location: 15q26.3.
Variant type: single nucleotide variant.
Coding change: c.691G>A on transcript NM_139057.4 (MANE Select); coding-DNA position 691, G replaced by A.
Protein change: p.Glu231Lys; replaces glutamic acid 231 with lysine.
Molecular consequence: missense variant.
Genome position (GRCh38, 1-based): chr15:100,281,327, C>T on the plus strand (G>A on the coding strand, the complement: ADAMTS17 is on the minus strand). VCF-style: chr15-100281327-C-T. GRCh37 (hg19) VCF-style: chr15-100821532-C-T.
Other names: short protein forms E231K.
Identifiers: ClinVar variation 1415551 (VCV001415551.3), dbSNP rs374234290, ClinGen allele CA7758609.

ClinVar aggregate classification (germline): Uncertain significance (1 of 4 stars; one submission).

Allele frequency attached by ClinVar (database versions not stated): TOPMed 0.00004; gnomAD 0.00005 and 0.00006; ESP Exome Variant Server 0.00008; gnomAD exomes 0.00014 and 0.00026; ExAC 0.00024.
gnomAD v4.1: 383 of 1,610,342 alleles (0.024%); highest among the groups gnomAD compares: Non-Finnish European, 0.031%; no homozygotes.

Submission:

Labcorp Genetics (formerly Invitae), Labcorp
Classification: Uncertain significance. Last evaluated: 2022-10-24. Review status: criteria provided, single submitter. Criteria: Invitae Variant Classification Sherloc (09022015). Collection method: clinical testing. Allele origin: germline.
Comment: This sequence change replaces glutamic acid with lysine at codon 231 of the ADAMTS17 protein (p.Glu231Lys). The glutamic acid residue is moderately conserved and there is a small physicochemical difference between glutamic acid and lysine. This variant is present in population databases (rs374234290, gnomAD 0.03%). This variant has not been reported in the literature in individuals affected with ADAMTS17-related conditions. ClinVar contains an entry for this variant (Variation ID: 1415551). Algorithms developed to predict the effect of missense changes on protein structure and function are either unavailable or do not agree on the potential impact of this missense change (SIFT: "Not Available"; PolyPhen-2: "Benign"; Align-GVGD: "Not Available"). In summary, the available evidence is currently insufficient to determine the role of this variant in disease. Therefore, it has been classified as a Variant of Uncertain Significance.